The following is an entry in ClinVar:

NM_000104.4(CYP1B1):c.1412T>C (p.Ile471Thr)

Genes: CYP1B1 (cytochrome P450 family 1 subfamily B member 1; minus strand), LOC128772254 (melanoma risk locus-associated MPRA allelic enhancer 2:38298139; plus strand). Cytogenetic location: 2p22.2.
Variant type: single nucleotide variant.
Coding change: c.1412T>C on transcript NM_000104.4 (MANE Select); coding-DNA position 1412, T replaced by C.
Protein change: p.Ile471Thr; replaces isoleucine 471 with threonine.
Molecular consequence: missense variant.
Genome position (GRCh38, 1-based): chr2:38,070,942, A>G on the plus strand (T>C on the coding strand, the complement: CYP1B1 is on the minus strand). VCF-style: chr2-38070942-A-G. GRCh37 (hg19) VCF-style: chr2-38298085-A-G.
Other names: short protein forms I471T.
Identifiers: ClinVar variation 3233955 (VCV003233955.2), dbSNP rs147535955, ClinGen allele CA1619786.

ClinVar aggregate classification (germline): Uncertain significance (1 of 4 stars; one submission).

Allele frequency attached by ClinVar (database versions not stated): ExAC 0.00001; ESP Exome Variant Server 0.00008.
gnomAD v4.1: 4 of 1,614,050 alleles (0.00025%); highest among the groups gnomAD compares: African/African-American, 0.004%; no homozygotes.

Submission:

Women's Health and Genetics/Laboratory Corporation of America, LabCorp
Classification: Uncertain significance. Last evaluated: 2024-03-14. Review status: criteria provided, single submitter. Criteria: LabCorp Variant Classification Summary - May 2015. Collection method: clinical testing. Allele origin: germline.
Comment: Variant summary: CYP1B1 c.1412T>C (p.Ile471Thr) results in a non-conservative amino acid change located in the Cytochrome P450, conserved site (IPR017972) of the encoded protein sequence. Five of five in-silico tools predict a damaging effect of the variant on protein function. The variant was absent in 251478 control chromosomes. The available data on variant occurrences in the general population are insufficient to allow any conclusion about variant significance. To our knowledge, no occurrence of c.1412T>C in individuals affected with Primary Congenital Glaucoma and no experimental evidence demonstrating its impact on protein function have been reported. No submitters have cited clinical-significance assessments for this variant to ClinVar. Based on the evidence outlined above, the variant was classified as uncertain significance.